The following is an entry in ClinVar:

NM_000051.4(ATM):c.923G>A (p.Trp308Ter)

Gene: ATM (ATM serine/threonine kinase; plus strand). Cytogenetic location: 11q22.3.
Variant type: single nucleotide variant.
Coding change: c.923G>A on transcript NM_000051.4 (MANE Select); coding-DNA position 923, G replaced by A.
Protein change: p.Trp308Ter; replaces tryptophan 308 with a stop codon.
Molecular consequence: nonsense.
Genome position (GRCh38, 1-based): chr11:108,246,985, G>A. VCF-style: chr11-108246985-G-A. GRCh37 (hg19) VCF-style: chr11-108117712-G-A.
Other names: c.923G>A, p.Trp308Ter (NM_001351834.2); short protein forms W308*.
Identifiers: ClinVar variation 823125 (VCV000823125.8), dbSNP rs1591510553, ClinGen allele CA382530591.
Genomic context (GRCh38, chr11:108,246,985, plus strand): 5'-ACATACATAAAAATTACATTTTAATTTTTTGGATTACAGGTGCTTATGAATCAACAAAAT[G>A]GAGAAGTATTTTATACAACTTATATGATCTGCTAGTGAATGAGATAAGTCATATAGGAAG-3'

ClinVar aggregate classification (germline): Pathogenic/Likely pathogenic. Review status: criteria provided, multiple submitters, no conflicts (2 of 4 stars). 3 submissions from 3 submitters: Pathogenic (2); Likely pathogenic (1). Last evaluated 2025-03-04.

Conditions:
Hereditary cancer-predisposing syndrome. Also called: Hereditary Cancer Syndrome; Neoplastic Syndromes, Hereditary; Hereditary neoplastic syndrome; Tumor predisposition. Identifiers: Orphanet 140162, MedGen C0027672, MeSH D009386, MONDO:0015356.
Ataxia-telangiectasia syndrome (AT). Also called: Cerebello-oculocutaneous telangiectasia; Immunodeficiency with ataxia telangiectasia; Ataxia-telangiectasia, complementation group E; Ataxia-telangiectasia, complementation group D; AT, COMPLEMENTATION GROUP C; ATAXIA-TELANGIECTASIA, COMPLEMENTATION GROUP A. Identifiers: Orphanet 100, MedGen C0004135, MONDO:0008840, OMIM 208900.

Submissions (3):

Center for Genomic Medicine, Rigshospitalet, Copenhagen University Hospital
Classification: Likely pathogenic. Last evaluated: 2025-03-04. Review status: criteria provided, single submitter. Criteria: ACMG Guidelines, 2015. Collection method: clinical testing. Allele origin: germline.

Labcorp Genetics (formerly Invitae), Labcorp
Classification: Pathogenic for Ataxia-telangiectasia syndrome. Last evaluated: 2024-07-23. Review status: criteria provided, single submitter. Criteria: Invitae Variant Classification Sherloc (09022015). Collection method: clinical testing. Allele origin: germline.
Comment: This sequence change creates a premature translational stop signal (p.Trp308*) in the ATM gene. It is expected to result in an absent or disrupted protein product. Loss-of-function variants in ATM are known to be pathogenic (PMID: 23807571, 25614872). This variant is not present in population databases (gnomAD no frequency). This variant has not been reported in the literature in individuals affected with ATM-related conditions. ClinVar contains an entry for this variant (Variation ID: 823125). Algorithms developed to predict the effect of sequence changes on RNA splicing suggest that this variant may disrupt the consensus splice site. For these reasons, this variant has been classified as Pathogenic.

Ambry Genetics
Classification: Pathogenic for Hereditary cancer-predisposing syndrome. Last evaluated: 2018-06-28. Review status: criteria provided, single submitter. Criteria: Ambry Variant Classification Scheme 2023. Collection method: clinical testing. Allele origin: germline.
Comment: The p.W308* pathogenic mutation (also known as c.923G>A), located in coding exon 7 of the ATM gene, results from a G to A substitution at nucleotide position 923. This changes the amino acid from a tryptophan to a stop codon within coding exon 7. This alteration is expected to result in loss of function by premature protein truncation or nonsense-mediated mRNA decay. As such, this alteration is interpreted as a disease-causing mutation.

Literature cited by the submitters: PubMed 23807571 (cited by Labcorp Genetics (formerly Invitae), Labcorp); PubMed 25614872 (cited by Labcorp Genetics (formerly Invitae), Labcorp).